The following is an entry in ClinVar:

ClinVar aggregate classification (germline): Uncertain significance (1 of 4 stars; one submission).

Allele frequency attached by ClinVar (database versions not stated): TOPMed below 0.00001.

Submission:

Labcorp Genetics (formerly Invitae), Labcorp
Classification: Uncertain significance. Last evaluated: 2025-08-21. Review status: criteria provided, single submitter. Criteria: Invitae Variant Classification Sherloc (09022015). Collection method: clinical testing. Allele origin: germline.
Comment: This sequence change replaces proline, which is neutral and non-polar, with alanine, which is neutral and non-polar, at codon 1852 of the EYS protein (p.Pro1852Ala). This variant is not present in population databases (gnomAD no frequency). This variant has not been reported in the literature in individuals affected with EYS-related conditions. ClinVar contains an entry for this variant (Variation ID: 1408612). An algorithm developed to predict the effect of missense changes on protein structure and function outputs the following: PolyPhen-2: "Benign". The alanine amino acid residue is found in multiple mammalian species, which suggests that this missense change does not adversely affect protein function. In summary, the available evidence is currently insufficient to determine the role of this variant in disease. Therefore, it has been classified as a Variant of Uncertain Significance.

NM_001142800.2(EYS):c.5554C>G (p.Pro1852Ala)

Gene: EYS (EGF-like photoreceptor maintenance factor; minus strand). Cytogenetic location: 6q12.
Variant type: single nucleotide variant.
Coding change: c.5554C>G on transcript NM_001142800.2 (MANE Select); coding-DNA position 5554, C replaced by G.
Protein change: p.Pro1852Ala; replaces proline 1852 with alanine.
Molecular consequence: missense variant.
Genome position (GRCh38, 1-based): chr6:64,590,313, G>C on the plus strand (C>G on the coding strand, the complement: EYS is on the minus strand). VCF-style: chr6-64590313-G-C. GRCh37 (hg19) VCF-style: chr6-65300206-G-C.
Other names: c.5554C>G, p.Pro1852Ala (NM_001292009.2); short protein forms P1852A.
Identifiers: ClinVar variation 1408612 (VCV001408612.7), dbSNP rs1766362938, ClinGen allele CA364780843.